The following is an entry in ClinVar:

ClinVar aggregate classification (germline): Pathogenic/Likely pathogenic. Review status: criteria provided, multiple submitters, no conflicts (2 of 4 stars). 5 submissions from 5 submitters: Pathogenic (1); Likely pathogenic (3). 1 of the submissions does not count toward it. Last evaluated 2025-10-05.

Conditions:
NOD2-related disorder. Also called: NOD2-related condition.
Blau syndrome (BLAUS). Also called: GRANULOMATOSIS, FAMILIAL JUVENILE SYSTEMIC; GRANULOMATOSIS, FAMILIAL, BLAU TYPE; GRANULOMATOUS INFLAMMATORY ARTHRITIS, DERMATITIS, AND UVEITIS, FAMILIAL; JABS SYNDROME; ARTHROCUTANEOUVEAL GRANULOMATOSIS. Identifiers: Orphanet 90340, MedGen C5201146, MONDO:0008523, OMIM 186580.
Regional enteritis. Also called: Enteritis, Granulomatous. Identifiers: MedGen C0678202, MeSH D003424.

Submissions (5):

Labcorp Genetics (formerly Invitae), Labcorp
Classification: Pathogenic for Regional enteritis; Blau syndrome. Last evaluated: 2025-10-05. Review status: criteria provided, single submitter. Criteria: Invitae Variant Classification Sherloc (09022015). Collection method: clinical testing. Allele origin: germline.
Comment: This sequence change replaces methionine, which is neutral and non-polar, with threonine, which is neutral and polar, at codon 513 of the NOD2 protein (p.Met513Thr). This variant is not present in population databases (gnomAD no frequency). This missense change has been observed in individual(s) with Blau syndrome and a diagnosis or clinical features of Blau syndrome (PMID: 15459013, 25416713, 25619344, 28130683, 28639104). In at least one individual the variant was observed to be de novo. ClinVar contains an entry for this variant (Variation ID: 97834). Invitae Evidence Modeling of protein sequence and biophysical properties (such as structural, functional, and spatial information, amino acid conservation, physicochemical variation, residue mobility, and thermodynamic stability) has been performed for this missense variant. However, the output from this modeling did not meet the statistical confidence thresholds required to predict the impact of this variant on NOD2 protein function. Experimental studies have shown that this missense change affects NOD2 function (PMID: 15459013, 25093298, 28130683). For these reasons, this variant has been classified as Pathogenic.

CeGaT Center for Human Genetics Tuebingen
Classification: Likely pathogenic. Last evaluated: 2024-08-01. Review status: criteria provided, single submitter. Criteria: CeGaT Center For Human Genetics Tuebingen Variant Classification Criteria Version 2. Collection method: clinical testing. Allele origin: germline. Affected: yes. Observed: 1 variant allele.
Comment: NOD2: PM2, PM6, PS4:Moderate, PS3:Supporting, BP4

Blueprint Genetics
Classification: Likely pathogenic for NOD2-related disorders. Last evaluated: 2019-08-15. Review status: criteria provided, single submitter. Criteria: ACMG Guidelines, 2015. Collection method: clinical testing. Allele origin: germline. Affected: yes. Observed: 1 variant allele.

Kasturba Medical College, Manipal, Kasturba Medical College, Manipal, Manipal Academy of Higher Education, Manipal, India
Classification: Likely pathogenic for Blau syndrome. Review status: criteria provided, single submitter. Criteria: ACMG Guidelines, 2015. Collection method: clinical testing. Allele origin: germline. Affected: yes.

Unité médicale des maladies autoinflammatoires, CHRU Montpellier
No classification provided. Condition: Sarcoidosis, early-onset. Review status: no classification provided. Collection method: not provided. Allele origin: unknown. Not counted in ClinVar's aggregate classification.
Comment: also involved in OMIM 186580 and 266600

Literature cited by the submitters: PubMed 15459013 (cited by Labcorp Genetics (formerly Invitae), Labcorp); PubMed 25416713 (cited by Labcorp Genetics (formerly Invitae), Labcorp); PubMed 25619344 (cited by Labcorp Genetics (formerly Invitae), Labcorp); PubMed 28130683 (cited by Labcorp Genetics (formerly Invitae), Labcorp); PubMed 28639104 (cited by Labcorp Genetics (formerly Invitae), Labcorp); PubMed 25093298 (cited by Labcorp Genetics (formerly Invitae), Labcorp).

NM_001370466.1(NOD2):c.1457T>C (p.Met486Thr)

Gene: NOD2 (nucleotide binding oligomerization domain containing 2; plus strand). Cytogenetic location: 16q12.1.
Variant type: single nucleotide variant.
Coding change: c.1457T>C on transcript NM_001370466.1 (MANE Select); coding-DNA position 1457, T replaced by C.
Protein change: p.Met486Thr; replaces methionine 486 with threonine.
Molecular consequence: missense variant. On other transcripts: non-coding transcript variant (1).
Genome position (GRCh38, 1-based): chr16:50,711,449, T>C. VCF-style: chr16-50711449-T-C. GRCh37 (hg19) VCF-style: chr16-50745360-T-C.
Other names: c.1538T>C (LRG_177t1); c.1457T>C, p.Met486Thr (NM_001293557.2); c.1538T>C, p.Met513Thr (NM_022162.3); short protein forms M513T, M486T.
Identifiers: ClinVar variation 97834 (VCV000097834.26), dbSNP rs104895473, ClinGen allele CA150217.
Genomic context (GRCh38, chr16:50,711,449, plus strand): 5'-CCAAATGCCACCAGGAACTGTTGCTGCAGGAGGGGGGGTCCCCAAAGACCACTACAGATA[T>C]GTACCTGCTGATTCTGCAGCATTTTCTGCTGCATGCCACCCCCCCAGACTCAGCTTCCCA-3'
Protein context (NP_001357395.1, residues 476-496): EGGSPKTTTD[Met486Thr]YLLILQHFLL